The following is an entry in ClinVar:

NM_006158.5(NEFL):c.1502_1503del (p.Glu501fs)

Gene: NEFL (neurofilament light chain; minus strand). Cytogenetic location: 8p21.2.
Variant type: Microsatellite.
Coding change: c.1502_1503del on transcript NM_006158.5 (MANE Select); coding-DNA positions 1502 to 1503, 2 bases deleted (AG; older notation c.1502_1503delAG).
Protein change: p.Glu501fs; shifts the reading frame from glutamic acid 501.
Molecular consequence: frameshift variant.
Genome position (GRCh38, 1-based): chr8:24,952,939-24,952,940, CT deleted on the plus strand (AG on the coding strand, the reverse complement: NEFL is on the minus strand); deleting any 2 consecutive bases within chr8:24,952,939-24,952,942 gives the same sequence; the c. name uses the placement nearest the transcript's 3' end. VCF-style (leftmost placement, unchanged base first): chr8-24952938-ACT-A. GRCh37 (hg19) VCF-style: chr8-24810451-ACT-A.
Other names: c.1502_1503del (NM_006158.3); short protein forms E501fs.
Identifiers: ClinVar variation 2175857 (VCV002175857.6), dbSNP rs2486880130, ClinGen allele CA2580614315.
Genomic context (GRCh38, chr8:24,952,938, plus strand): 5'-CTTTGGTTTCCTCTCCTTCTTCACCTTCACCTCCTTCTTCTTCTTCTTTTGCTTCTTCAG[ACT>A]CTTCCTTGGCAGCTTTAACATAAAAAGAAAATGTACAAAATGCAAATCCAGGGTAAGTCC-3'

ClinVar aggregate classification (germline): Uncertain significance. Review status: criteria provided, multiple submitters, no conflicts (2 of 4 stars). 3 submissions from 3 submitters: Uncertain significance (3). Last evaluated 2024-01-03.

Conditions:
Charcot-Marie-Tooth disease type 2E (CMT2E). Also called: CHARCOT-MARIE-TOOTH DISEASE, AXONAL, TYPE 2E; CHARCOT-MARIE-TOOTH NEUROPATHY, TYPE 2E. Identifiers: Orphanet 99939, MedGen C1843225, MONDO:0011894, OMIM 607684.

Submissions (3):

GeneDx
Classification: Uncertain significance. Last evaluated: 2024-01-03. Review status: criteria provided, single submitter. Criteria: GeneDx Variant Classification Process June 2021. Collection method: clinical testing. Allele origin: germline. Affected: yes.
Comment: Frameshift variant predicted to result in abnormal protein length as the last 43 amino acids are replaced with 1 different amino acid; Not observed at significant frequency in large population cohorts (gnomAD); Has not been previously published as pathogenic or benign to our knowledge

Blueprint Genetics
Classification: Uncertain significance. Last evaluated: 2023-06-26. Review status: criteria provided, single submitter. Criteria: ACMG Guidelines, 2015. Collection method: clinical testing. Allele origin: germline.

Labcorp Genetics (formerly Invitae), Labcorp
Classification: Uncertain significance for Charcot-Marie-Tooth disease type 2E. Last evaluated: 2022-09-06. Review status: criteria provided, single submitter. Criteria: Invitae Variant Classification Sherloc (09022015). Collection method: clinical testing. Allele origin: germline.
Comment: This sequence change creates a premature translational stop signal (p.Glu501Valfs*2) in the NEFL gene. While this is not anticipated to result in nonsense mediated decay, it is expected to disrupt the last 43 amino acid(s) of the NEFL protein. This variant is not present in population databases (gnomAD no frequency). This variant has not been reported in the literature in individuals affected with NEFL-related conditions. Experimental studies and prediction algorithms are not available or were not evaluated, and the functional significance of this variant is currently unknown. In summary, the available evidence is currently insufficient to determine the role of this variant in disease. Therefore, it has been classified as a Variant of Uncertain Significance.